The following is an entry in ClinVar:

ClinVar aggregate classification (germline): Likely benign (0 of 4 stars; one submission).

Conditions:
STXBP5-related disorder. Also called: STXBP5-related condition.

Allele frequency attached by ClinVar (database versions not stated): gnomAD exomes 0.00001; TOPMed 0.00006; ExAC 0.00007; gnomAD 0.00011; 1000 Genomes Project 30x 0.00109; 1000 Genomes Project 0.00120.
gnomAD v4.1: 33 of 1,594,916 alleles (0.0021%); highest among the groups gnomAD compares: African/African-American, 0.016%; no homozygotes.

Submission:

PreventionGenetics, part of Exact Sciences
Classification: Likely benign for STXBP5-related condition. Last evaluated: 2019-08-13. Review status: no assertion criteria provided. Collection method: clinical testing. Allele origin: germline.
Comment: This variant is classified as likely benign based on ACMG/AMP sequence variant interpretation guidelines (Richards et al. 2015 PMID: 25741868, with internal and published modifications).

NM_001127715.4(STXBP5):c.1623+9G>A

Gene: STXBP5 (syntaxin binding protein 5; plus strand). Cytogenetic location: 6q24.3.
Variant type: single nucleotide variant.
Coding change: c.1623+9G>A on transcript NM_001127715.4 (MANE Select); 9 bases into the intron after coding-DNA position 1623, G replaced by A.
Molecular consequence: intron variant.
Genome position (GRCh38, 1-based): chr6:147,315,744, G>A. VCF-style: chr6-147315744-G-A. GRCh37 (hg19) VCF-style: chr6-147636880-G-A.
Other names: c.1623+9G>A (NM_001394409.1, NM_139244.6).
Identifiers: ClinVar variation 3052507 (VCV003052507.2), dbSNP rs570109411, ClinGen allele CA4039049.
Genomic context (GRCh38, chr6:147,315,744, plus strand): 5'-TGTCATTATTTATAGATTCAGCAAGCAGGAAGTAATCACAGAAGTCATTCCGGTAATAAC[G>A]TCTTAGTTATTTTCATGGTCAAGTTATTTTCATCCACATTTTTAAATTTGTGGATGATTT-3'